The following is an entry in ClinVar:

ClinVar aggregate classification (germline): Conflicting classifications of pathogenicity. Review status: criteria provided, conflicting classifications (1 of 4 stars). 2 submissions from 2 submitters: Uncertain significance (1); Likely benign (1). Last evaluated 2025-11-20.

Conditions:
Inborn genetic diseases. Identifiers: MedGen C0950123, MeSH D030342.

Submissions (2):

Ambry Genetics
Classification: Likely benign for Inborn genetic diseases. Last evaluated: 2025-11-20. Review status: criteria provided, single submitter. Criteria: Ambry Variant Classification Scheme 2023. Collection method: clinical testing. Allele origin: germline.

GeneDx
Classification: Uncertain significance. Last evaluated: 2024-09-20. Review status: criteria provided, single submitter. Criteria: GeneDx Variant Classification Process June 2021. Collection method: clinical testing. Allele origin: germline. Affected: yes.
Comment: Not observed at significant frequency in large population cohorts (gnomAD); In silico analysis indicates that this missense variant does not alter protein structure/function; Has not been previously published as pathogenic or benign to our knowledge

NM_002240.5(KCNJ6):c.1211T>C (p.Leu404Pro)

Genes: KCNJ6 (potassium inwardly rectifying channel subfamily J member 6; minus strand), KCNJ6-AS1 (KCNJ6 antisense RNA 1; plus strand). Cytogenetic location: 21q22.13.
Variant type: single nucleotide variant.
Coding change: c.1211T>C on transcript NM_002240.5 (MANE Select); coding-DNA position 1211, T replaced by C.
Protein change: p.Leu404Pro; replaces leucine 404 with proline.
Molecular consequence: missense variant.
Genome position (GRCh38, 1-based): chr21:37,625,220, A>G on the plus strand (T>C on the coding strand, the complement: KCNJ6 is on the minus strand). VCF-style: chr21-37625220-A-G. GRCh37 (hg19) VCF-style: chr21-38997522-A-G.
Other names: c.1211T>C (NM_002240.2); short protein forms L404P.
Identifiers: ClinVar variation 3774280 (VCV003774280.2).